The following is an entry in ClinVar:

NM_004655.4(AXIN2):c.1386_1387delinsTA (p.Arg463Ser)

Gene: AXIN2 (axin 2; minus strand). Cytogenetic location: 17q24.1.
Variant type: Indel.
Coding change: c.1386_1387delinsTA on transcript NM_004655.4 (MANE Select); coding-DNA positions 1386 to 1387, CC replaced by TA.
Protein change: p.Arg463Ser; replaces arginine 463 with serine.
Molecular consequence: missense variant.
Genome position (GRCh38, 1-based): chr17:65,537,649-65,537,650, GG replaced by TA on the plus strand (CC replaced by TA on the coding strand, the reverse complement: AXIN2 is on the minus strand). VCF-style: chr17-65537649-GG-TA. GRCh37 (hg19) VCF-style: chr17-63533767-GG-TA.
Other names: c.1386_1387delinsTA, p.Arg463Ser (NM_001363813.1); short protein forms R463S.
Identifiers: ClinVar variation 2007557 (VCV002007557.4), dbSNP rs1555577922, ClinGen allele CA2580094987.
Genomic context (GRCh38, chr17:65,537,649, plus strand): 5'-GCGGGAGCAGGGAGTGGTACTGCGAATGGTGGTGGTGGTGGTGGTCCGGGGAGCGGGAGC[GG>TA]GGGCTATAGCGGCCTACGCCTGGAGACTGGCAGCCAGGGGTCTTGAGGACCCTGGACAGG-3'
Protein context (NP_004646.3, residues 453-473): QSPGVGRYSP[Arg463Ser]SRSPDHHHHH

ClinVar aggregate classification (germline): Uncertain significance (1 of 4 stars; one submission).

Conditions:
Oligodontia-cancer predisposition syndrome. Also called: TOOTH AGENESIS-COLORECTAL CANCER SYNDROME. Identifiers: Orphanet 300576, MedGen C1837750, MONDO:0012075, OMIM 608615. Disease mechanism: loss of function.

Submission:

Labcorp Genetics (formerly Invitae), Labcorp
Classification: Uncertain significance for Oligodontia-cancer predisposition syndrome. Last evaluated: 2022-06-17. Review status: criteria provided, single submitter. Criteria: Invitae Variant Classification Sherloc (09022015). Collection method: clinical testing. Allele origin: germline.
Comment: This sequence change replaces arginine, which is basic and polar, with serine, which is neutral and polar, at codon 463 of the AXIN2 protein (p.Arg463Ser). Information on the frequency of this variant in the gnomAD database is not available, as this variant may be reported differently in the database. This variant has not been reported in the literature in individuals affected with AXIN2-related conditions. Experimental studies and prediction algorithms are not available or were not evaluated, and the functional significance of this variant is currently unknown. In summary, the available evidence is currently insufficient to determine the role of this variant in disease. Therefore, it has been classified as a Variant of Uncertain Significance.